The following is an entry in ClinVar:

NM_001029883.3(PCARE):c.3254C>T (p.Ser1085Leu)

Gene: PCARE (photoreceptor cilium actin regulator; minus strand). Cytogenetic location: 2p23.2.
Variant type: single nucleotide variant.
Coding change: c.3254C>T on transcript NM_001029883.3 (MANE Select); coding-DNA position 3254, C replaced by T.
Protein change: p.Ser1085Leu; replaces serine 1085 with leucine.
Molecular consequence: missense variant.
Genome position (GRCh38, 1-based): chr2:29,071,008, G>A on the plus strand (C>T on the coding strand, the complement: PCARE is on the minus strand). VCF-style: chr2-29071008-G-A. GRCh37 (hg19) VCF-style: chr2-29293874-G-A.
Other names: short protein forms S1085L.
Identifiers: ClinVar variation 896273 (VCV000896273.10), dbSNP rs202213660, ClinGen allele CA1591981.
Genomic context (GRCh38, chr2:29,071,008, plus strand): 5'-GAGTCTCTTGTTTCCTTGTGCTCCTGAGAAGGGGACATTGGGGGTGATGGGGAGGGAATC[G>A]AGAAAGGGGGGCTTGCTTCTGGGTGCTGGGTTGGGGGGCTGGGGACCTTGCACTGAGCAG-3'
Protein context (NP_001025054.1, residues 1075-1095): TQHPEASPPF[Ser1085Leu]IPSPSPPMSP

ClinVar aggregate classification (germline): Uncertain significance. Review status: criteria provided, multiple submitters, no conflicts (2 of 4 stars). 4 submissions from 4 submitters: Uncertain significance (4). Last evaluated 2024-10-29.

Conditions:
Retinitis pigmentosa (RP). Identifiers: Orphanet 791, MedGen C0035334, MeSH D012174, MONDO:0019200, OMIM 268000. Inheritance: Autosomal dominant, autosomal recessive and X linked inheritance.

Allele frequency attached by ClinVar (database versions not stated): gnomAD 0.00006 and 0.00005; gnomAD exomes 0.00006; 1000 Genomes Project 30x 0.00031; 1000 Genomes Project 0.00040; ExAC 0.00006.
gnomAD v4.1: 89 of 1,472,122 alleles (0.006%); highest among the groups gnomAD compares: Middle Eastern, 0.4%; no homozygotes.

Submissions (4):

Labcorp Genetics (formerly Invitae), Labcorp
Classification: Uncertain significance. Last evaluated: 2024-10-29. Review status: criteria provided, single submitter. Criteria: Invitae Variant Classification Sherloc (09022015). Collection method: clinical testing. Allele origin: germline.
Comment: This sequence change replaces serine, which is neutral and polar, with leucine, which is neutral and non-polar, at codon 1085 of the PCARE protein (p.Ser1085Leu). This variant is present in population databases (rs202213660, gnomAD 0.01%). This variant has not been reported in the literature in individuals affected with PCARE-related conditions. ClinVar contains an entry for this variant (Variation ID: 896273). An algorithm developed to predict the effect of missense changes on protein structure and function (PolyPhen-2) suggests that this variant¬†is likely to be tolerated. In summary, the available evidence is currently insufficient to determine the role of this variant in disease. Therefore, it has been classified as a Variant of Uncertain Significance.

Blueprint Genetics
Classification: Uncertain significance. Last evaluated: 2024-09-18. Review status: criteria provided, single submitter. Criteria: ACMG Guidelines, 2015. Collection method: clinical testing. Allele origin: germline.

Illumina Laboratory Services, Illumina
Classification: Uncertain significance for Retinitis pigmentosa. Last evaluated: 2018-01-12. Review status: criteria provided, single submitter. Criteria: ICSL Variant Classification Criteria 13 December 2019. Collection method: clinical testing. Allele origin: germline.

Breakthrough Genomics
Classification: Uncertain significance. Review status: criteria provided, single submitter. Criteria: ACMG Guidelines, 2015. Collection method: not provided. Allele origin: germline. Inheritance: Unknown mechanism. Affected: yes.